The following is an entry in ClinVar:

ClinVar aggregate classification (germline): Uncertain significance (1 of 4 stars; one submission).

Conditions:
Fanconi anemia (FA). Also called: Fanconi's anemia. Identifiers: Orphanet 84, MedGen C0015625, MeSH D005199, MONDO:0019391.

Allele frequency attached by ClinVar (database versions not stated): TOPMed 0.00001; gnomAD exomes 0.00002 and 0.00006; ExAC 0.00008.
gnomAD v4.1: 42 of 1,614,056 alleles (0.0026%); highest among the groups gnomAD compares: South Asian, 0.04%; no homozygotes.

Submission:

Labcorp Genetics (formerly Invitae), Labcorp
Classification: Uncertain significance for Fanconi anemia. Last evaluated: 2022-04-20. Review status: criteria provided, single submitter. Criteria: Invitae Variant Classification Sherloc (09022015). Collection method: clinical testing. Allele origin: germline.
Comment: In summary, the available evidence is currently insufficient to determine the role of this variant in disease. Therefore, it has been classified as a Variant of Uncertain Significance. Algorithms developed to predict the effect of missense changes on protein structure and function output the following: SIFT: "Tolerated"; PolyPhen-2: "Benign"; Align-GVGD: "Class C0". The leucine amino acid residue is found in multiple mammalian species, which suggests that this missense change does not adversely affect protein function. This variant has not been reported in the literature in individuals affected with FANCF-related conditions. This variant is present in population databases (rs759515146, gnomAD 0.04%). This sequence change replaces arginine, which is basic and polar, with leucine, which is neutral and non-polar, at codon 135 of the FANCF protein (p.Arg135Leu).

NM_022725.4(FANCF):c.404G>T (p.Arg135Leu)

Gene: FANCF (FA complementation group F; minus strand). Cytogenetic location: 11p14.3.
Variant type: single nucleotide variant.
Coding change: c.404G>T on transcript NM_022725.4 (MANE Select); coding-DNA position 404, G replaced by T.
Protein change: p.Arg135Leu; replaces arginine 135 with leucine.
Molecular consequence: missense variant.
Genome position (GRCh38, 1-based): chr11:22,625,407, C>A on the plus strand (G>T on the coding strand, the complement: FANCF is on the minus strand). VCF-style: chr11-22625407-C-A. GRCh37 (hg19) VCF-style: chr11-22646953-C-A.
Other names: short protein forms R135L.
Identifiers: ClinVar variation 1433197 (VCV001433197.7), dbSNP rs759515146, ClinGen allele CA5924343.
Genomic context (GRCh38, chr11:22,625,407, plus strand): 5'-GGGTTCTCTCTATAGCCATTGAAGCGCAGCATGTGCACCGCAGACCGCCGGCGGGCAAGG[C>A]GGGCCAGGCTCTCTTGGAGTGTCTCCTCATCGGCGTCCCGGACGCCCGGGCCGGGAAAGA-3'
Protein context (NP_073562.1, residues 125-145): DEETLQESLA[Arg135Leu]LARRRSAVHM